The following is an entry in ClinVar:

NM_032776.3(JMJD1C):c.3910T>G (p.Ser1304Ala)

Gene: JMJD1C (jumonji domain containing 1C; minus strand). Cytogenetic location: 10q21.3.
Variant type: single nucleotide variant.
Coding change: c.3910T>G on transcript NM_032776.3 (MANE Select); coding-DNA position 3910, T replaced by G.
Protein change: p.Ser1304Ala; replaces serine 1304 with alanine.
Molecular consequence: missense variant. On other transcripts: non-coding transcript variant (1).
Genome position (GRCh38, 1-based): chr10:63,207,759, A>C on the plus strand (T>G on the coding strand, the complement: JMJD1C is on the minus strand). VCF-style: chr10-63207759-A-C. GRCh37 (hg19) VCF-style: chr10-64967519-A-C.
Other names: c.3364T>G, p.Ser1122Ala (NM_001282948.2, NM_001318154.2); c.3046T>G, p.Ser1016Ala (NM_001318153.2); c.3796T>G, p.Ser1266Ala (NM_001322252.2); c.3253T>G, p.Ser1085Ala (NM_001322254.2, NM_001322258.2); short protein forms S1085A, S1266A, S1016A, S1122A, S1304A.
Identifiers: ClinVar variation 1385476 (VCV001385476.6), dbSNP rs2133153760, ClinGen allele CA377039733.

ClinVar aggregate classification (germline): Uncertain significance (1 of 4 stars; one submission).

Conditions:
Early Myoclonic Encephalopathy. Identifiers: MedGen C0270855.

Allele frequency attached by ClinVar (database versions not stated): gnomAD exomes below 0.00001.
gnomAD v4.1: 1 of 1,614,206 alleles (0.000062%); highest among the groups gnomAD compares: Non-Finnish European, 0.000085%; no homozygotes.

Submission:

Labcorp Genetics (formerly Invitae), Labcorp
Classification: Uncertain significance for Early Myoclonic Encephalopathy. Last evaluated: 2022-01-10. Review status: criteria provided, single submitter. Criteria: Invitae Variant Classification Sherloc (09022015). Collection method: clinical testing. Allele origin: germline.
Comment: In summary, the available evidence is currently insufficient to determine the role of this variant in disease. Therefore, it has been classified as a Variant of Uncertain Significance. Algorithms developed to predict the effect of missense changes on protein structure and function are either unavailable or do not agree on the potential impact of this missense change (SIFT: "Deleterious"; PolyPhen-2: "Probably Damaging"; Align-GVGD: "Class C0"). This variant has not been reported in the literature in individuals affected with JMJD1C-related conditions. This variant is not present in population databases (gnomAD no frequency). This sequence change replaces serine, which is neutral and polar, with alanine, which is neutral and non-polar, at codon 1304 of the JMJD1C protein (p.Ser1304Ala).